The following is an entry in ClinVar:

NM_005055.5(RAPSN):c.595G>T (p.Gly199Cys)

Gene: RAPSN (receptor associated protein of the synapse; minus strand). Cytogenetic location: 11p11.2.
Variant type: single nucleotide variant.
Coding change: c.595G>T on transcript NM_005055.5 (MANE Select); coding-DNA position 595, G replaced by T.
Protein change: p.Gly199Cys; replaces glycine 199 with cysteine.
Molecular consequence: missense variant.
Genome position (GRCh38, 1-based): chr11:47,442,751, C>A on the plus strand (G>T on the coding strand, the complement: RAPSN is on the minus strand). VCF-style: chr11-47442751-C-A. GRCh37 (hg19) VCF-style: chr11-47464303-C-A.
Other names: c.595G>T, p.Gly199Cys (NM_032645.5); short protein forms G199C.
Identifiers: ClinVar variation 2145112 (VCV002145112.4), dbSNP rs2496107488, ClinGen allele CA380332280.

ClinVar aggregate classification (germline): Uncertain significance (1 of 4 stars; one submission).

Conditions:
Congenital myasthenic syndrome 11. Also called: MYASTHENIC SYNDROME, CONGENITAL, Ie; Myasthenic syndrome, congenital, 11, associated with acetylcholine receptor deficiency. Identifiers: Orphanet 590, MedGen C4225367, MONDO:0014588, OMIM 616326.
Fetal akinesia deformation sequence 1 (FADS1). Also called: Fetal akinesia sequence; Pena-Shokeir syndrome type I. Identifiers: Orphanet 994, MedGen C1276035, MONDO:0100101, OMIM 208150, HP:0001989.

Allele frequency attached by ClinVar (database versions not stated): gnomAD exomes below 0.00001.
gnomAD v4.1: 1 of 1,614,290 alleles (0.000062%); highest among the groups gnomAD compares: South Asian, 0.0011%; no homozygotes.

Submission:

Labcorp Genetics (formerly Invitae), Labcorp
Classification: Uncertain significance for Congenital myasthenic syndrome 11; Fetal akinesia deformation sequence 1. Last evaluated: 2022-04-08. Review status: criteria provided, single submitter. Criteria: Invitae Variant Classification Sherloc (09022015). Collection method: clinical testing. Allele origin: germline.
Comment: Advanced modeling of protein sequence and biophysical properties (such as structural, functional, and spatial information, amino acid conservation, physicochemical variation, residue mobility, and thermodynamic stability) performed at Invitae indicates that this missense variant is expected to disrupt RAPSN protein function. In summary, the available evidence is currently insufficient to determine the role of this variant in disease. Therefore, it has been classified as a Variant of Uncertain Significance. This variant has not been reported in the literature in individuals affected with RAPSN-related conditions. This variant is not present in population databases (gnomAD no frequency). This sequence change replaces glycine, which is neutral and non-polar, with cysteine, which is neutral and slightly polar, at codon 199 of the RAPSN protein (p.Gly199Cys).